The following is an entry in ClinVar:

NM_004100.5(EYA4):c.1570T>G (p.Ser524Ala)

Genes: TARID (TCF21 antisense RNA inducing promoter demethylation; minus strand), EYA4 (EYA transcriptional coactivator and phosphatase 4; plus strand). Cytogenetic location: 6q23.2.
Variant type: single nucleotide variant.
Coding change: c.1570T>G on transcript NM_004100.5 (MANE Select); coding-DNA position 1570, T replaced by G.
Protein change: p.Ser524Ala; replaces serine 524 with alanine.
Molecular consequence: missense variant.
Genome position (GRCh38, 1-based): chr6:133,515,389, T>G. VCF-style: chr6-133515389-T-G. GRCh37 (hg19) VCF-style: chr6-133836527-T-G.
Other names: c.1408T>G, p.Ser470Ala (NM_001301012.2); c.1588T>G, p.Ser530Ala (NM_001301013.2); c.1501T>G, p.Ser501Ala (NM_001370458.1, NM_172103.4); c.1426T>G, p.Ser476Ala (NM_001370459.1); c.1570T>G, p.Ser524Ala (NM_172105.4); short protein forms S524A, S501A, S470A, S476A, S530A.
Identifiers: ClinVar variation 4742686 (VCV004742686.1).

ClinVar aggregate classification (germline): Uncertain significance (1 of 4 stars; one submission).

Conditions:
Dilated cardiomyopathy 1J (CMD1J). Also called: CARDIOMYOPATHY, DILATED, WITH SENSORINEURAL HEARING LOSS, AUTOSOMAL DOMINANT. Identifiers: Orphanet 217622, MedGen C1854368, MONDO:0011541, OMIM 605362.

Submission:

Labcorp Genetics (formerly Invitae), Labcorp
Classification: Uncertain significance for Dilated cardiomyopathy 1J. Last evaluated: 2025-09-01. Review status: criteria provided, single submitter. Criteria: Invitae Variant Classification Sherloc (09022015). Collection method: clinical testing. Allele origin: germline.
Comment: This sequence change replaces serine, which is neutral and polar, with alanine, which is neutral and non-polar, at codon 524 of the EYA4 protein (p.Ser524Ala). This variant is not present in population databases (gnomAD no frequency). This variant has not been reported in the literature in individuals affected with EYA4-related conditions. Invitae Evidence Modeling of protein sequence and biophysical properties (such as structural, functional, and spatial information, amino acid conservation, physicochemical variation, residue mobility, and thermodynamic stability) indicates that this missense variant is not expected to disrupt EYA4 protein function with a negative predictive value of 80%. In summary, the available evidence is currently insufficient to determine the role of this variant in disease. Therefore, it has been classified as a Variant of Uncertain Significance.